The following is an entry in ClinVar:

NM_001258392.3(CLPB):c.266G>A (p.Gly89Glu)

Genes: CLPB (ClpB family mitochondrial disaggregase; minus strand), LOC130006336 (ATAC-STARR-seq lymphoblastoid active region 5191; plus strand). Cytogenetic location: 11q13.4.
Variant type: single nucleotide variant.
Coding change: c.266G>A on transcript NM_001258392.3 (MANE Select); coding-DNA position 266, G replaced by A.
Protein change: p.Gly89Glu; replaces glycine 89 with glutamic acid.
Molecular consequence: missense variant. On other transcripts: synonymous variant (1).
Genome position (GRCh38, 1-based): chr11:72,434,209, C>T on the plus strand (G>A on the coding strand, the complement: CLPB is on the minus strand). VCF-style: chr11-72434209-C-T. GRCh37 (hg19) VCF-style: chr11-72145253-C-T.
Other names: c.266G>A, p.Gly89Glu (NM_001258393.3, NM_030813.6); c.24G>A, p.Gly8= (NM_001258394.3); short protein forms G89E.
Identifiers: ClinVar variation 1360509 (VCV001360509.8), dbSNP rs374729211, ClinGen allele CA224518484.

ClinVar aggregate classification (germline): Uncertain significance (1 of 4 stars; one submission).

Conditions:
3-methylglutaconic aciduria, type VIIB (MGCA7B). Also called: CLPB Deficiency; 3-methylglutaconic aciduria with cataracts, neurologic involvement and neutropenia; 3-methylglutaconic aciduria, type VII, with cataracts, neurologic involvement and neutropenia. Identifiers: Orphanet 445038, MedGen C5676893, MONDO:0014561, OMIM 616271.

Allele frequency attached by ClinVar (database versions not stated): gnomAD 0.00001 and 0.00002; gnomAD exomes 0.00001; TOPMed 0.00001; ESP Exome Variant Server 0.00008.
gnomAD v4.1: 15 of 1,613,434 alleles (0.00093%); highest among the groups gnomAD compares: African/African-American, 0.0013%; no homozygotes.

Submission:

Labcorp Genetics (formerly Invitae), Labcorp
Classification: Uncertain significance for 3-methylglutaconic aciduria, type VIIB. Last evaluated: 2022-08-15. Review status: criteria provided, single submitter. Criteria: Invitae Variant Classification Sherloc (09022015). Collection method: clinical testing. Allele origin: germline.
Comment: This sequence change replaces glycine, which is neutral and non-polar, with glutamic acid, which is acidic and polar, at codon 89 of the CLPB protein (p.Gly89Glu). In summary, the available evidence is currently insufficient to determine the role of this variant in disease. Therefore, it has been classified as a Variant of Uncertain Significance. Algorithms developed to predict the effect of missense changes on protein structure and function output the following: SIFT: "Tolerated"; PolyPhen-2: "Benign"; Align-GVGD: "Class C0". The glutamic acid amino acid residue is found in multiple mammalian species, which suggests that this missense change does not adversely affect protein function. ClinVar contains an entry for this variant (Variation ID: 1360509). This variant has not been reported in the literature in individuals affected with CLPB-related conditions. This variant is not present in population databases (gnomAD no frequency).